The following is an entry in ClinVar:

NM_001036.6(RYR3):c.9581G>A (p.Arg3194His)

Gene: RYR3 (ryanodine receptor 3; plus strand). Cytogenetic location: 15q14.
Variant type: single nucleotide variant.
Coding change: c.9581G>A on transcript NM_001036.6 (MANE Select); coding-DNA position 9581, G replaced by A.
Protein change: p.Arg3194His; replaces arginine 3194 with histidine.
Molecular consequence: missense variant.
Genome position (GRCh38, 1-based): chr15:33,785,974, G>A. VCF-style: chr15-33785974-G-A. GRCh37 (hg19) VCF-style: chr15-34078175-G-A.
Other names: c.9581G>A, p.Arg3194His (NM_001243996.4); short protein forms R3194H.
Identifiers: ClinVar variation 568607 (VCV000568607.11), dbSNP rs377341748, ClinGen allele CA7460547.

ClinVar aggregate classification (germline): Uncertain significance (1 of 4 stars; one submission).

Conditions:
Epileptic encephalopathy. Identifiers: MedGen C0543888, HP:0200134.

Allele frequency attached by ClinVar (database versions not stated): ESP Exome Variant Server 0.00008; gnomAD exomes 0.00023 and 0.00037; TOPMed 0.00024; ExAC 0.00028; 1000 Genomes Project 30x 0.00031; gnomAD 0.00036 and 0.00037; 1000 Genomes Project 0.00040.
gnomAD v4.1: 577 of 1,571,930 alleles (0.037%); highest among the groups gnomAD compares: Non-Finnish European, 0.044%; no homozygotes.

Submission:

Labcorp Genetics (formerly Invitae), Labcorp
Classification: Uncertain significance for Epileptic encephalopathy. Last evaluated: 2022-06-04. Review status: criteria provided, single submitter. Criteria: Invitae Variant Classification Sherloc (09022015). Collection method: clinical testing. Allele origin: germline.
Comment: This sequence change replaces arginine, which is basic and polar, with histidine, which is basic and polar, at codon 3194 of the RYR3 protein (p.Arg3194His). This variant is present in population databases (rs377341748, gnomAD 0.05%). This variant has not been reported in the literature in individuals affected with RYR3-related conditions. ClinVar contains an entry for this variant (Variation ID: 568607). Algorithms developed to predict the effect of missense changes on protein structure and function are either unavailable or do not agree on the potential impact of this missense change (SIFT: "Deleterious"; PolyPhen-2: "Probably Damaging"; Align-GVGD: "Class C0"). In summary, the available evidence is currently insufficient to determine the role of this variant in disease. Therefore, it has been classified as a Variant of Uncertain Significance.